The following is an entry in ClinVar:

NM_005476.7(GNE):c.297T>C (p.Leu99=)

Gene: GNE (glucosamine (UDP-N-acetyl)-2-epimerase/N-acetylmannosamine kinase; minus strand). Cytogenetic location: 9p13.3.
Variant type: single nucleotide variant.
Coding change: c.297T>C on transcript NM_005476.7 (MANE Select); coding-DNA position 297, T replaced by C.
Protein change: p.Leu99=; no amino-acid change (leucine 99 retained).
Molecular consequence: synonymous variant.
Genome position (GRCh38, 1-based): chr9:36,246,350, A>G on the plus strand (T>C on the coding strand, the complement: GNE is on the minus strand). VCF-style: chr9-36246350-A-G. GRCh37 (hg19) VCF-style: chr9-36246347-A-G.
Other names: c.390T>C, p.Leu130= (NM_001128227.3); c.297T>C, p.Leu99= (NM_001190383.3, NM_001374797.1); c.120T>C, p.Leu40= (NM_001190384.3, NM_001190388.2, NM_001374798.1).
Identifiers: ClinVar variation 529880 (VCV000529880.20), dbSNP rs544304534, ClinGen allele CA5056740.
Genomic context (GRCh38, chr9:36,246,350, plus strand): 5'-CAGAGCCAGGGCATCAAACCTGTCTCCATGAACAATCATGATATCAGGCTTCAGGCGATT[A>G]AGGACATCTGGCAGCTTCACTAGGGCCAGGCCTACTGACTCCACCATGGCTGCCTCATCT-3'
Protein context (NP_005467.1, residues 89-109): GLALVKLPDV[Leu99=]NRLKPDIMIV

ClinVar aggregate classification (germline): Likely benign. Review status: criteria provided, multiple submitters, no conflicts (2 of 4 stars). 3 submissions from 3 submitters: Likely benign (3). Last evaluated 2026-01-28.

Conditions:
Sialuria. Also called: Sialic Acid Storage Disease; SIALURIA, FRENCH TYPE. Identifiers: Orphanet 3166, MedGen C0342853, MONDO:0010028, OMIM 269921.
GNE myopathy (NM). Also called: INCLUSION BODY MYOPATHY, HEREDITARY, AUTOSOMAL RECESSIVE; INCLUSION BODY MYOPATHY 2, AUTOSOMAL RECESSIVE; MYOPATHY, DISTAL, WITH OR WITHOUT RIMMED VACUOLES; IBM 2; Inclusion body myopathy autosomal recessive; Inclusion body myopathy quadriceps sparing. Identifiers: Orphanet 602, MedGen C1853926, MONDO:0011603, OMIM 605820.

Allele frequency attached by ClinVar (database versions not stated): gnomAD 0.00002 and 0.00003; ExAC 0.00003; TOPMed 0.00003; gnomAD exomes 0.00004 and 0.00001; 1000 Genomes Project 30x 0.00031; 1000 Genomes Project 0.00040.
gnomAD v4.1: 22 of 1,614,088 alleles (0.0014%); highest among the groups gnomAD compares: East Asian, 0.042%; no homozygotes.

Submissions (3):

Labcorp Genetics (formerly Invitae), Labcorp
Classification: Likely benign for Sialuria; GNE myopathy. Last evaluated: 2026-01-28. Review status: criteria provided, single submitter. Criteria: Invitae Variant Classification Sherloc (09022015). Collection method: clinical testing. Allele origin: germline.

CeGaT Center for Human Genetics Tuebingen
Classification: Likely benign. Last evaluated: 2025-03-01. Review status: criteria provided, single submitter. Criteria: CeGaT Center For Human Genetics Tuebingen Variant Classification Criteria Version 2. Collection method: clinical testing. Allele origin: germline. Affected: yes. Observed: 1 variant allele.
Comment: GNE: BP4, BP7

Blueprint Genetics
Classification: Likely benign. Last evaluated: 2024-08-08. Review status: criteria provided, single submitter. Criteria: ACMG Guidelines, 2015. Collection method: clinical testing. Allele origin: germline.